The following is an entry in ClinVar:

ClinVar aggregate classification (germline): Likely pathogenic (1 of 4 stars; one submission).

Conditions:
Breast-ovarian cancer, familial, susceptibility to, 4. Identifiers: Orphanet 145, MedGen C3280345, MONDO:0013669, OMIM 614291.

Submission:

Myriad Genetics, Inc.
Classification: Likely pathogenic for Breast-ovarian cancer, familial, susceptibility to, 4. Last evaluated: 2023-10-09. Review status: criteria provided, single submitter. Criteria: Myriad Autosomal Dominant, Autosomal Recessive and X-Linked Classification Criteria (2023). Collection method: clinical testing. Allele origin: unknown.
Comment: This variant is considered likely pathogenic. This variant creates a frameshift predicted to result in premature protein truncation.

NM_002878.4(RAD51D):c.816dup (p.Ser273fs)

Genes: RAD51D (RAD51 paralog D; minus strand), RAD51L3-RFFL (RAD51L3-RFFL readthrough; minus strand). Cytogenetic location: 17q12.
Variant type: Duplication.
Coding change: c.816dup on transcript NM_002878.4 (MANE Select); coding-DNA position 816, one base duplicated (C; older notation c.816dupC).
Protein change: p.Ser273fs; shifts the reading frame from serine 273.
Molecular consequence: frameshift variant. On other transcripts: non-coding transcript variant (3).
Genome position (GRCh38, 1-based): chr17:35,101,288, G duplicated on the plus strand (C on the coding strand, the reverse complement: RAD51D is on the minus strand); the first of 3 consecutive G bases (chr17:35,101,288-35,101,290); duplicating any one gives the same sequence. VCF-style (leftmost placement, unchanged base first): chr17-35101287-T-TG. GRCh37 (hg19) VCF-style: chr17-33428306-T-TG.
Other names: c.876dup, p.Ser293fs (NM_001142571.2); c.480dup, p.Ser161fs (NM_133629.3); short protein forms S161fs, S273fs, S293fs.
Identifiers: ClinVar variation 2673915 (VCV002673915.1), dbSNP rs2509124779, ClinGen allele CA2695201313.